The following is an entry in ClinVar:

ClinVar aggregate classification (germline): Pathogenic/Likely pathogenic. Review status: criteria provided, multiple submitters, no conflicts (2 of 4 stars). 2 submissions from 2 submitters: Pathogenic (1); Likely pathogenic (1). Last evaluated 2026-09-08.

Conditions:
Fabry disease. Also called: Fabry's disease; Angiokeratoma corporis diffusum; ALPHA-GALACTOSIDASE A DEFICIENCY; ANDERSON-FABRY DISEASE; CERAMIDE TRIHEXOSIDASE DEFICIENCY; GLA DEFICIENCY. Identifiers: Orphanet 324, MedGen C0002986, MONDO:0010526, OMIM 301500, HP:0001071. Disease mechanism: Fabry disease is due to inactivating mutations in the X-linked GLA gene resulting in deficiency of the enzyme Alpha Galactosidase-A., loss of function.

Submissions (2):

Genomenon, Inc
Classification: Likely pathogenic for Fabry disease. Last evaluated: 2026-09-08. Review status: criteria provided, single submitter. Criteria: Genomenon Sequence Variant Interpretation Standards - Updated. Collection method: curation. Allele origin: germline. Affected: yes.
Comment: GLA p.His125Leu (c.374A>T) is a missense variant that changes the amino acid at codon 125 from Histidine to Leucine. This variant has been observed in at least one proband with clinical features consistent with Fabry disease (PMID:29631605). The variant was found to segregate with disease in at least one affected family (PMID:29631605). At least one functional study has demonstrated a substantial alteration in protein function relative to the wild-type (PMID:27657681). It is absent or not present at a significant frequency in gnomAD. In silico models predict that this variant is possibly or probably damaging. In conclusion, we classify GLA p.His125Leu (c.374A>T) as a likely pathogenic variant.

Victorian Clinical Genetics Services, Murdoch Childrens Research Institute
Classification: Pathogenic for Fabry disease. Last evaluated: 2022-02-02. Review status: criteria provided, single submitter. Criteria: ACMG Guidelines, 2015. Collection method: clinical testing. Allele origin: germline. Inheritance: X-linked inheritance.
Comment: Based on the classification scheme VCGS_Germline_v1.3.4, this variant is classified as a Pathogenic. Following criteria are met: 0103 - Loss of function and dominant negative are known mechanisms of disease in this gene and are associated with Fabry disease (MIM#301500). Loss of function is a known mechanism of disease in males. Females can be affected but with variable severity unexplained by skewed X-inactivation (PMID: 31613176), suggested to be due to the dominant negative mechanism of some variants. Truncating variants in the last exon have been reported with a dominant negative mechanism in females. Gain of function has also been suggested; however more evidence is required (PMID: 8878432; PMID: 31613176). (I) 0109 - This gene is associated with X-linked disease. Both males and females have been reported with fabry disease, though the latter are more rarely reported and tend to have milder disease (OMIM, PMID: 31613176). (I) 0200 - Variant is predicted to result in a missense amino acid change from histidine to leucine. (I) 0251 - This variant is heterozygous. (I) 0301 - Variant is absent from gnomAD (both v2 and v3). (SP) 0501 - Missense variant consistently predicted to be damaging by multiple in silico tools or highly conserved with a major amino acid change. (SP) 0600 - Variant is located in the annotated Alpha galactosidase A domain (NCBI). (I) 0702 - Other missense variants comparable to the one identified in this case have strong previous evidence for pathogenicity. (SP) 0802 - This variant has moderate previous evidence of pathogenicity in unrelated individuals. This variant has been reported in three male patients with Fabry disease (PMID: 26252393, 29631605). (SP) 1007 - No published functional evidence has been identified for this variant. (I) Legend: (SP) - Supporting pathogenic, (I) - Information, (SB) - Supporting benign

Literature cited by the submitters: PubMed 29631605 (cited by Genomenon, Inc and Victorian Clinical Genetics Services, Murdoch Childrens Research Institute); PubMed 27657681 (cited by Genomenon, Inc); PubMed 8878432 (cited by Victorian Clinical Genetics Services, Murdoch Childrens Research Institute); PubMed 18023222 (cited by Victorian Clinical Genetics Services, Murdoch Childrens Research Institute); PubMed 26252393 (cited by Victorian Clinical Genetics Services, Murdoch Childrens Research Institute); PubMed 27560961 (cited by Victorian Clinical Genetics Services, Murdoch Childrens Research Institute); PubMed 31613176 (cited by Victorian Clinical Genetics Services, Murdoch Childrens Research Institute).

NM_000169.3(GLA):c.374A>T (p.His125Leu)

Genes: GLA (galactosidase alpha; minus strand), RPL36A-HNRNPH2 (RPL36A-HNRNPH2 readthrough; plus strand). Cytogenetic location: Xq22.1.
Variant type: single nucleotide variant.
Coding change: c.374A>T on transcript NM_000169.3 (MANE Select); coding-DNA position 374, A replaced by T.
Protein change: p.His125Leu; replaces histidine 125 with leucine.
Molecular consequence: missense variant. On other transcripts: non-coding transcript variant (3), intron variant (2).
Genome position (GRCh38, 1-based): chrX:101,401,805, T>A on the plus strand (A>T on the coding strand, the complement: GLA is on the minus strand). VCF-style: chrX-101401805-T-A. GRCh37 (hg19) VCF-style: chrX-100656793-T-A.
Other names: c.497A>T, p.His166Leu (NM_001406747.1, NM_001406749.1); c.374A>T, p.His125Leu (NM_001406748.1); c.300+6348T>A (NM_001199973.2); c.177+9983T>A (NM_001199974.2); short protein forms H125L, H166L.
Identifiers: ClinVar variation 1805066 (VCV001805066.4), dbSNP rs2520897937, ClinGen allele CA413930937.